The following is an entry in ClinVar:

ClinVar aggregate classification (germline): Uncertain significance (1 of 4 stars; one submission).

gnomAD v4.1: 6 of 1,614,102 alleles (0.00037%); highest among the groups gnomAD compares: Non-Finnish European, 0.00051%; no homozygotes.

Submission:

Ambry Genetics
Classification: Uncertain significance. Last evaluated: 2025-07-09. Review status: criteria provided, single submitter. Criteria: Ambry Variant Classification Scheme 2023. Collection method: clinical testing. Allele origin: germline.
Comment: The p.P841L variant (also known as c.2522C>T), located in coding exon 17 of the CTNNA3 gene, results from a C to T substitution at nucleotide position 2522. The proline at codon 841 is replaced by leucine, an amino acid with similar properties. This amino acid position is conserved. In addition, this alteration is predicted to be tolerated by in silico analysis. Based on the available evidence, the clinical significance of this variant remains unclear.

NM_013266.4(CTNNA3):c.2522C>T (p.Pro841Leu)

Gene: CTNNA3 (catenin alpha 3; minus strand). Cytogenetic location: 10q21.3.
Variant type: single nucleotide variant.
Coding change: c.2522C>T on transcript NM_013266.4 (MANE Select); coding-DNA position 2522, C replaced by T.
Protein change: p.Pro841Leu; replaces proline 841 with leucine.
Molecular consequence: missense variant.
Genome position (GRCh38, 1-based): chr10:65,920,496, G>A on the plus strand (C>T on the coding strand, the complement: CTNNA3 is on the minus strand). VCF-style: chr10-65920496-G-A. GRCh37 (hg19) VCF-style: chr10-67680254-G-A.
Other names: c.2522C>T, p.Pro841Leu (NM_001127384.3); short protein forms P841L.
Identifiers: ClinVar variation 4235675 (VCV004235675.1).